The following is an entry in ClinVar:

NM_001039348.3(EFEMP1):c.924A>G (p.Gln308=)

Gene: EFEMP1 (EGF-like fibulin extracellular matrix protein 1; minus strand). Cytogenetic location: 2p16.1.
Variant type: single nucleotide variant.
Coding change: c.924A>G on transcript NM_001039348.3 (MANE Select); coding-DNA position 924, A replaced by G.
Protein change: p.Gln308=; no amino-acid change (glutamine 308 retained).
Molecular consequence: synonymous variant.
Genome position (GRCh38, 1-based): chr2:55,875,022, T>C on the plus strand (A>G on the coding strand, the complement: EFEMP1 is on the minus strand). VCF-style: chr2-55875022-T-C. GRCh37 (hg19) VCF-style: chr2-56102157-T-C.
Other names: c.924A>G (NM_001039348.2); c.924A>G, p.Gln308= (NM_001039349.3).
Identifiers: ClinVar variation 1505931 (VCV001505931.7), dbSNP rs146846635, ClinGen allele CA48123604.

ClinVar aggregate classification (germline): Likely benign. Review status: criteria provided, single submitter (1 of 4 stars). 2 submissions from 2 submitters: Likely benign (1). 1 of the submissions does not count toward it. Last evaluated 2022-11-01.

Conditions:
EFEMP1-related disorder. Also called: EFEMP1-related condition.

Allele frequency attached by ClinVar (database versions not stated): gnomAD exomes below 0.00001; ESP Exome Variant Server 0.00008.
gnomAD v4.1: 23 of 1,608,126 alleles (0.0014%); highest among the groups gnomAD compares: African/African-American, 0.026%; no homozygotes.

Submissions (2):

Labcorp Genetics (formerly Invitae), Labcorp
Classification: Likely benign. Last evaluated: 2022-11-01. Review status: criteria provided, single submitter. Criteria: Invitae Variant Classification Sherloc (09022015). Collection method: clinical testing. Allele origin: germline.

PreventionGenetics, part of Exact Sciences
Classification: Likely benign for EFEMP1-related condition. Last evaluated: 2024-09-05. Review status: no assertion criteria provided. Collection method: clinical testing. Allele origin: germline. Not counted in ClinVar's aggregate classification.
Comment: This variant is classified as likely benign based on ACMG/AMP sequence variant interpretation guidelines (Richards et al. 2015 PMID: 25741868, with internal and published modifications).